The following is an entry in ClinVar:

ClinVar aggregate classification (germline): Uncertain significance. Review status: criteria provided, multiple submitters, no conflicts (2 of 4 stars). 2 submissions from 2 submitters: Uncertain significance (2). Last evaluated 2022-03-08.

Conditions:
Ataxia-telangiectasia syndrome (AT). Also called: LOUIS-BAR SYNDROME; Ataxia telangiectasia (A-T); Ataxia-telangiectasia, complementation group D; Cerebello-oculocutaneous telangiectasia; Immunodeficiency with ataxia telangiectasia; Ataxia-telangiectasia. Identifiers: Orphanet 100, MedGen C0004135, MONDO:0008840, OMIM 208900.
Familial cancer of breast. Also called: hereditary breast carcinoma; BREAST CANCER, FAMILIAL; Hereditary breast cancer. Identifiers: Orphanet 227535, MedGen C0346153, MONDO:0016419, OMIM 114480. Disease mechanism: loss of function.

gnomAD v4.1: 1 of 1,613,690 alleles (0.000062%); highest among the groups gnomAD compares: South Asian, 0.0011%; no homozygotes.

Submissions (2):

Labcorp Genetics (formerly Invitae), Labcorp
Classification: Uncertain significance for Ataxia-telangiectasia syndrome. Last evaluated: 2022-03-08. Review status: criteria provided, single submitter. Criteria: Invitae Variant Classification Sherloc (09022015). Collection method: clinical testing. Allele origin: germline.
Comment: In summary, the available evidence is currently insufficient to determine the role of this variant in disease. Therefore, it has been classified as a Variant of Uncertain Significance. Algorithms developed to predict the effect of missense changes on protein structure and function (SIFT, PolyPhen-2, Align-GVGD) all suggest that this variant is likely to be tolerated. ClinVar contains an entry for this variant (Variation ID: 863955). This variant has not been reported in the literature in individuals affected with ATM-related conditions. This variant is not present in population databases (gnomAD no frequency). This sequence change replaces proline, which is neutral and non-polar, with leucine, which is neutral and non-polar, at codon 537 of the ATM protein (p.Pro537Leu).

Department of Pathology and Laboratory Medicine, Sinai Health System
Classification: Uncertain significance for Familial cancer of breast. Last evaluated: 2021-10-19. Review status: criteria provided, single submitter. Criteria: ACMG Guidelines, 2015. Collection method: clinical testing. Allele origin: germline. Affected: yes.

NM_000051.4(ATM):c.1610C>T (p.Pro537Leu)

Gene: ATM (ATM serine/threonine kinase; plus strand). Cytogenetic location: 11q22.3.
Variant type: single nucleotide variant.
Coding change: c.1610C>T on transcript NM_000051.4 (MANE Select); coding-DNA position 1610, C replaced by T.
Protein change: p.Pro537Leu; replaces proline 537 with leucine.
Molecular consequence: missense variant.
Genome position (GRCh38, 1-based): chr11:108,251,839, C>T. VCF-style: chr11-108251839-C-T. GRCh37 (hg19) VCF-style: chr11-108122566-C-T.
Other names: c.1610C>T, p.Pro537Leu (NM_001351834.2); short protein forms P537L.
Identifiers: ClinVar variation 863955 (VCV000863955.10), dbSNP rs587782463, ClinGen allele CA382534474.